The following is an entry in ClinVar:

ClinVar aggregate classification (germline): Uncertain significance (1 of 4 stars; one submission).

gnomAD v4.1: 27 of 151,874 alleles (0.018%); highest among the groups gnomAD compares: African/African-American, 0.066%; no homozygotes.

Submission:

Greenwood Genetic Center Diagnostic Laboratories, Greenwood Genetic Center
Classification: Uncertain significance. Last evaluated: 2026-05-15. Review status: criteria provided, single submitter. Criteria: ACMG Guidelines, 2015. Collection method: clinical testing. Allele origin: germline.
Comment: PM2, BP4

NM_001113378.2(FANCI):c.1382-608C>G

Gene: FANCI (FA complementation group I; plus strand). Cytogenetic location: 15q26.1.
Variant type: single nucleotide variant.
Coding change: c.1382-608C>G on transcript NM_001113378.2 (MANE Select); 608 bases into the intron before coding-DNA position 1382, C replaced by G.
Molecular consequence: intron variant.
Genome position (GRCh38, 1-based): chr15:89,280,562, C>G. VCF-style: chr15-89280562-C-G. GRCh37 (hg19) VCF-style: chr15-89823793-C-G.
Other names: c.1382-608C>G (NM_018193.3, NM_001376911.1); c.1103-608C>G (NM_001376910.1).
Identifiers: ClinVar variation 4891082 (VCV004891082.1).